The following is an entry in ClinVar:

ClinVar aggregate classification (germline): Uncertain significance (1 of 4 stars; one submission).

Conditions:
Polyhydramnios, megalencephaly, and symptomatic epilepsy (PMSE). Also called: PMSE SYNDROME. Identifiers: Orphanet 500533, MedGen C1970203, MONDO:0012611, OMIM 611087.

Allele frequency attached by ClinVar (database versions not stated): gnomAD exomes below 0.00001 and 0.00001; ExAC 0.00001.
gnomAD v4.1: 11 of 1,614,166 alleles (0.00068%); highest among the groups gnomAD compares: South Asian, 0.0055%; no homozygotes.

Submission:

Labcorp Genetics (formerly Invitae), Labcorp
Classification: Uncertain significance for Polyhydramnios, megalencephaly, and symptomatic epilepsy. Last evaluated: 2022-01-10. Review status: criteria provided, single submitter. Criteria: Invitae Variant Classification Sherloc (09022015). Collection method: clinical testing. Allele origin: germline.
Comment: In summary, the available evidence is currently insufficient to determine the role of this variant in disease. Therefore, it has been classified as a Variant of Uncertain Significance. This sequence change replaces tyrosine, which is neutral and polar, with cysteine, which is neutral and slightly polar, at codon 236 of the STRADA protein (p.Tyr236Cys). This variant is present in population databases (rs746686925, gnomAD 0.0009%). This variant has not been reported in the literature in individuals affected with STRADA-related conditions. ClinVar contains an entry for this variant (Variation ID: 999709). Algorithms developed to predict the effect of missense changes on protein structure and function are either unavailable or do not agree on the potential impact of this missense change (SIFT: "Tolerated"; PolyPhen-2: "Probably Damaging"; Align-GVGD: "Class C0").

NM_001003787.4(STRADA):c.707A>G (p.Tyr236Cys)

Gene: STRADA (STE20 related adaptor alpha; minus strand). Cytogenetic location: 17q23.3.
Variant type: single nucleotide variant.
Coding change: c.707A>G on transcript NM_001003787.4 (MANE Select); coding-DNA position 707, A replaced by G.
Protein change: p.Tyr236Cys; replaces tyrosine 236 with cysteine.
Molecular consequence: missense variant.
Genome position (GRCh38, 1-based): chr17:63,707,293, T>C on the plus strand (A>G on the coding strand, the complement: STRADA is on the minus strand). VCF-style: chr17-63707293-T-C. GRCh37 (hg19) VCF-style: chr17-61784653-T-C.
Other names: c.596A>G, p.Tyr199Cys (NM_001003786.3, NM_001363789.1, NM_153335.6); c.533A>G, p.Tyr178Cys (NM_001003788.3, NM_001363790.1, NM_001363791.1); c.620A>G, p.Tyr207Cys (NM_001165969.2, NM_001363787.1); c.575A>G, p.Tyr192Cys (NM_001165970.2); c.683A>G, p.Tyr228Cys (NM_001363786.1); c.707A>G, p.Tyr236Cys (NM_001363788.1); short protein forms Y178C, Y192C, Y199C, Y207C, Y228C, Y236C.
Identifiers: ClinVar variation 999709 (VCV000999709.7), dbSNP rs746686925, ClinGen allele CA8703310.